The following is an entry in ClinVar:

ClinVar aggregate classification (germline): Uncertain significance (1 of 4 stars; one submission).

Submission:

Labcorp Genetics (formerly Invitae), Labcorp
Classification: Uncertain significance. Last evaluated: 2020-03-14. Review status: criteria provided, single submitter. Criteria: Invitae Variant Classification Sherloc (09022015). Collection method: clinical testing. Allele origin: germline.
Comment: In summary, the available evidence is currently insufficient to determine the role of this variant in disease. Therefore, it has been classified as a Variant of Uncertain Significance. Algorithms developed to predict the effect of missense changes on protein structure and function are either unavailable or do not agree on the potential impact of this missense change (SIFT: "Deleterious"; PolyPhen-2: "Possibly Damaging"; Align-GVGD: "Class C0"). This variant has not been reported in the literature in individuals with CTNNA1-related conditions. This sequence change replaces tyrosine with histidine at codon 177 of the CTNNA1 protein (p.Tyr177His). The tyrosine residue is highly conserved and there is a moderate physicochemical difference between tyrosine and histidine. This variant is not present in population databases (ExAC no frequency).

NM_001903.5(CTNNA1):c.529T>C (p.Tyr177His)

Gene: CTNNA1 (catenin alpha 1; plus strand). Cytogenetic location: 5q31.2.
Variant type: single nucleotide variant.
Coding change: c.529T>C on transcript NM_001903.5 (MANE Select); coding-DNA position 529, T replaced by C.
Protein change: p.Tyr177His; replaces tyrosine 177 with histidine.
Molecular consequence: missense variant.
Genome position (GRCh38, 1-based): chr5:138,812,243, T>C. VCF-style: chr5-138812243-T-C. GRCh37 (hg19) VCF-style: chr5-138147932-T-C.
Other names: c.529T>C, p.Tyr177His (NM_001290307.3, NM_001323982.2, NM_001323983.1 and 3 more transcripts); c.220T>C, p.Tyr74His (NM_001290309.3); c.160T>C, p.Tyr54His (NM_001290310.3); short protein forms Y74H, Y54H, Y177H.
Identifiers: ClinVar variation 1047699 (VCV001047699.9), dbSNP rs1758896577, ClinGen allele CA361125304.